The following is an entry in ClinVar:

ClinVar aggregate classification (germline): Uncertain significance. Review status: criteria provided, multiple submitters, no conflicts (2 of 4 stars). 2 submissions from 2 submitters: Uncertain significance (2). Last evaluated 2024-12-10.

Conditions:
Inborn genetic diseases. Identifiers: MedGen C0950123, MeSH D030342.

Allele frequency attached by ClinVar (database versions not stated): gnomAD exomes below 0.00001; TOPMed below 0.00001.
gnomAD v4.1: 4 of 1,614,000 alleles (0.00025%); highest among the groups gnomAD compares: South Asian, 0.0022%; no homozygotes.

Submissions (2):

Ambry Genetics
Classification: Uncertain significance for Inborn genetic diseases. Last evaluated: 2024-12-10. Review status: criteria provided, single submitter. Criteria: Ambry Variant Classification Scheme 2023. Collection method: clinical testing. Allele origin: germline.

Labcorp Genetics (formerly Invitae), Labcorp
Classification: Uncertain significance. Last evaluated: 2024-01-08. Review status: criteria provided, single submitter. Criteria: Invitae Variant Classification Sherloc (09022015). Collection method: clinical testing. Allele origin: germline.
Comment: This sequence change replaces glutamic acid, which is acidic and polar, with aspartic acid, which is acidic and polar, at codon 4616 of the HERC1 protein (p.Glu4616Asp). This variant is not present in population databases (gnomAD no frequency). This variant has not been reported in the literature in individuals affected with HERC1-related conditions. ClinVar contains an entry for this variant (Variation ID: 2065430). Advanced modeling of protein sequence and biophysical properties (such as structural, functional, and spatial information, amino acid conservation, physicochemical variation, residue mobility, and thermodynamic stability) performed at Invitae indicates that this missense variant is not expected to disrupt HERC1 protein function with a negative predictive value of 80%. In summary, the available evidence is currently insufficient to determine the role of this variant in disease. Therefore, it has been classified as a Variant of Uncertain Significance.

NM_003922.4(HERC1):c.13848G>C (p.Glu4616Asp)

Gene: HERC1 (HECT and RLD domain containing E3 ubiquitin protein ligase family member 1; minus strand). Cytogenetic location: 15q22.31.
Variant type: single nucleotide variant.
Coding change: c.13848G>C on transcript NM_003922.4 (MANE Select); coding-DNA position 13848, G replaced by C.
Protein change: p.Glu4616Asp; replaces glutamic acid 4616 with aspartic acid.
Molecular consequence: missense variant.
Genome position (GRCh38, 1-based): chr15:63,616,523, C>G on the plus strand (G>C on the coding strand, the complement: HERC1 is on the minus strand). VCF-style: chr15-63616523-C-G. GRCh37 (hg19) VCF-style: chr15-63908722-C-G.
Other names: c.13848G>C (NM_003922.3); short protein forms E4616D.
Identifiers: ClinVar variation 2065430 (VCV002065430.5), dbSNP rs2067826065, ClinGen allele CA392733005.